The following is an entry in ClinVar:

ClinVar aggregate classification (germline): Uncertain significance. Review status: criteria provided, multiple submitters, no conflicts (2 of 4 stars). 2 submissions from 2 submitters: Uncertain significance (2). Last evaluated 2025-08-27.

Conditions:
Hereditary cancer-predisposing syndrome. Also called: Neoplastic Syndromes, Hereditary; Hereditary Cancer Syndrome; Hereditary neoplastic syndrome; Tumor predisposition. Identifiers: Orphanet 140162, MedGen C0027672, MeSH D009386, MONDO:0015356.
Familial adenomatous polyposis 2. Also called: FAP type 2; Adenomas, multiple colorectal; MUTYH-associated polyposis; MUTYH-related attenuated familial adenomatous polyposis; MYH-associated polyposis; COLORECTAL ADENOMATOUS POLYPOSIS, AUTOSOMAL RECESSIVE. Identifiers: Orphanet 220460, Orphanet 247798, MedGen C3272841, MONDO:0012041, OMIM 608456.

Submissions (2):

Ambry Genetics
Classification: Uncertain significance for Hereditary cancer-predisposing syndrome. Last evaluated: 2025-08-27. Review status: criteria provided, single submitter. Criteria: Ambry Variant Classification Scheme 2023. Collection method: clinical testing. Allele origin: germline.
Comment: The p.P432Q variant (also known as c.1295C>A), located in coding exon 13 of the MUTYH gene, results from a C to A substitution at nucleotide position 1295. The proline at codon 432 is replaced by glutamine, an amino acid with similar properties. This amino acid position is conserved. In addition, the in silico prediction for this alteration is inconclusive. Based on the available evidence, the clinical significance of this variant remains unclear.

Labcorp Genetics (formerly Invitae), Labcorp
Classification: Uncertain significance for Familial adenomatous polyposis 2. Last evaluated: 2022-04-28. Review status: criteria provided, single submitter. Criteria: Invitae Variant Classification Sherloc (09022015). Collection method: clinical testing. Allele origin: germline.
Comment: This sequence change replaces proline, which is neutral and non-polar, with glutamine, which is neutral and polar, at codon 432 of the MUTYH protein (p.Pro432Gln). This variant is not present in population databases (gnomAD no frequency). This variant has not been reported in the literature in individuals affected with MUTYH-related conditions. Algorithms developed to predict the effect of missense changes on protein structure and function (SIFT, PolyPhen-2, Align-GVGD) all suggest that this variant is likely to be tolerated. In summary, the available evidence is currently insufficient to determine the role of this variant in disease. Therefore, it has been classified as a Variant of Uncertain Significance.

NM_001048174.2(MUTYH):c.1211C>A (p.Pro404Gln)

Gene: MUTYH (mutY DNA glycosylase; minus strand). Cytogenetic location: 1p34.1.
Variant type: single nucleotide variant.
Coding change: c.1211C>A on transcript NM_001048174.2 (MANE Select); coding-DNA position 1211, C replaced by A.
Protein change: p.Pro404Gln; replaces proline 404 with glutamine.
Molecular consequence: missense variant. On other transcripts: non-coding transcript variant (2).
Genome position (GRCh38, 1-based): chr1:45,331,448, G>T on the plus strand (C>A on the coding strand, the complement: MUTYH is on the minus strand). VCF-style: chr1-45331448-G-T. GRCh37 (hg19) VCF-style: chr1-45797120-G-T.
Other names: c.1211C>A, p.Pro404Gln (NM_001048171.2, NM_001048173.2, NM_001293195.2 and 6 more transcripts); c.1214C>A, p.Pro405Gln (NM_001048172.2, NM_001407086.1, NM_001407071.1 and 1 more transcripts); c.1295C>A, p.Pro432Gln (NM_001128425.2); c.1256C>A, p.Pro419Gln (NM_001293190.2); c.1244C>A, p.Pro415Gln (NM_001293191.2, NM_001407069.1, NM_001407077.1); c.935C>A, p.Pro312Gln (NM_001293192.2, NM_001293196.2, NM_001407091.1); c.1172C>A, p.Pro391Gln (NM_001407079.1); c.1169C>A, p.Pro390Gln (NM_001407080.1); and 5 more; short protein forms P289Q, P391Q, P404Q, P411Q, P429Q, P390Q, P432Q, P312Q.
Identifiers: ClinVar variation 2131517 (VCV002131517.5), dbSNP rs1276625381, ClinGen allele CA340132875.